The following is an entry in ClinVar:

NM_170707.4(LMNA):c.1609-12T>G

Gene: LMNA (lamin A/C; plus strand). Cytogenetic location: 1q22.
Variant type: single nucleotide variant.
Coding change: c.1609-12T>G on transcript NM_170707.4 (MANE Select); 12 bases into the intron before coding-DNA position 1609, T replaced by G.
Molecular consequence: intron variant.
Genome position (GRCh38, 1-based): chr1:156,137,642, T>G. VCF-style: chr1-156137642-T-G. GRCh37 (hg19) VCF-style: chr1-156107433-T-G.
Other names: IVS9AS, T-G, -12; c.1609-12T>G (NM_001282625.2, NM_001282626.2, NM_005572.4); c.1608+410T>G (NM_170708.4); c.1273-12T>G (NM_001257374.3); c.1366-12T>G (NM_001282624.2).
Identifiers: ClinVar variation 66855 (VCV000066855.4), dbSNP rs267607582, ClinGen allele CA017567.
Genomic context (GRCh38, chr1:156,137,642, plus strand): 5'-TCACTGGGGTAGACATGCTGTACAACCCTTCCCTGGCCCTGACCCTTGGACCTGGTTCCA[T>G]GTCCCCACCAGGAAGTGGCCATGCGCAAGCTGGTGCGCTCAGTGACTGTGGTTGAGGACG-3'

ClinVar aggregate classification (germline): Likely pathogenic. Review status: criteria provided, single submitter (1 of 4 stars). 3 submissions from 3 submitters: Likely pathogenic (1). 2 of the submissions do not count toward it. Last evaluated 2024-05-02.

Conditions:
Primary dilated cardiomyopathy (DCM). Also called: Dilated Cardiomyopathy. Identifiers: Orphanet 217604, MedGen C0007193, MeSH D002311, MONDO:0005021, HP:0001644. Inheritance: Various modes of inheritance.
Heart-hand syndrome, Slovenian type. Identifiers: Orphanet 168796, MedGen C1857829, MONDO:0012417, OMIM 610140.

Submissions (3):

Molecular Genetics, Royal Melbourne Hospital
Classification: Likely pathogenic for Primary dilated cardiomyopathy. Last evaluated: 2024-05-02. Review status: criteria provided, single submitter. Criteria: ACMG Guidelines, 2015. Collection method: clinical testing. Allele origin: germline. Inheritance: Autosomal dominant inheritance. Affected: yes.
Comment: This sequence change in LMNA is an intronic variant located in intron 9. This variant is absent from the population database gnomAD v4.0. The variant has been reported to segregate with a phenotype consistent with LMNA-related cardiac disease in multiple individuals in one family (PMID: 18611980). At least one patient with this variant displayed a large proportion of abnormal nuclei in fibroblasts, which is highly specific for a laminopathy (PMID: 30420677). The results from an in silico splicing predictor (SpliceAI) indicate that this variant may impact splicing by disrupting the acceptor splice site of intron 9 of LMNA. This prediction is confirmed by non-quantiative RNA and protein expression assays demonstrating that the variant impacts splicing by creating a de novo acceptor site leading to 11 bp retention of intron 9 (PMID: 18611980). The aberrant transcript is expected to produce a premature stop codon in biologically relevant exon 10/12 leading to nonsense-mediated decay in a gene in which loss of function is an established disease mechanism. Based on the classification scheme RMH Modified ACMG/AMP Guidelines v1.6.1, this variant is classified as LIKELY PATHOGENIC. Following criteria are met: PVS1_Strong, PP1_Moderate, PP4_Moderate, PM2_Supporting.

OMIM
Classification: Pathogenic for HEART-HAND SYNDROME, SLOVENIAN TYPE. Last evaluated: 2008-10-01. Review status: no assertion criteria provided. Collection method: literature only. Allele origin: germline. Not counted in ClinVar's aggregate classification.

Epithelial Biology;  Institute of Medical Biology, Singapore
No classification provided. Review status: no classification provided. Collection method: not provided. Allele origin: not provided. Not counted in ClinVar's aggregate classification.

Literature cited by the submitters: PubMed 18611980 (cited by Molecular Genetics, Royal Melbourne Hospital and OMIM); PubMed 30420677 (cited by Molecular Genetics, Royal Melbourne Hospital); PubMed 15996213 (cited by OMIM).